The following is an entry in ClinVar:

ClinVar aggregate classification (germline): Pathogenic (1 of 4 stars; one submission).

Conditions:
Familial adenomatous polyposis 1 (FAP1). Also called: POLYPOSIS, ADENOMATOUS INTESTINAL; FAMILIAL ADENOMATOUS POLYPOSIS 1, ATTENUATED. Identifiers: MedGen C2713442, MONDO:0021056, OMIM 175100. Disease mechanism: loss of function.

Submission:

Myriad Genetics, Inc.
Classification: Pathogenic for Familial adenomatous polyposis 1. Last evaluated: 2023-05-16. Review status: criteria provided, single submitter. Criteria: Myriad Autosomal Dominant, Autosomal Recessive and X-Linked Classification Criteria (2023). Collection method: clinical testing. Allele origin: unknown.
Comment: This variant is considered pathogenic. This variant creates a frameshift predicted to result in premature protein truncation.

NM_000038.6(APC):c.7642_7649del (p.Lys2548fs)

Gene: APC (APC regulator of Wnt signaling pathway; plus strand). Cytogenetic location: 5q22.2.
Variant type: Deletion.
Coding change: c.7642_7649del on transcript NM_000038.6 (MANE Select); coding-DNA positions 7642 to 7649, 8 bases deleted (AAACGTGA; older notation c.7642_7649delAAACGTGA).
Protein change: p.Lys2548fs; shifts the reading frame from lysine 2548.
Molecular consequence: frameshift variant. On other transcripts: non-coding transcript variant (2).
Genome position (GRCh38, 1-based): chr5:112,843,236-112,843,243, AAACGTGA deleted. VCF-style (leftmost placement, unchanged base first): chr5-112843235-GAAACGTGA-G. GRCh37 (hg19) VCF-style: chr5-112178932-GAAACGTGA-G.
Other names: c.7642_7649del, p.Lys2548fs (NM_001127510.3, NM_001354895.2, NM_001407450.1); c.7588_7595del, p.Lys2530fs (NM_001127511.3); c.7696_7703del, p.Lys2566fs (NM_001354896.2, NM_001407447.1, NM_001407448.1 and 1 more transcripts); c.7672_7679del, p.Lys2558fs (NM_001354897.2); c.7567_7574del, p.Lys2523fs (NM_001354898.2); c.7558_7565del, p.Lys2520fs (NM_001354899.2); c.7519_7526del, p.Lys2507fs (NM_001354900.2); c.7465_7472del, p.Lys2489fs (NM_001354901.2, NM_001407453.1); and 11 more; short protein forms K2388fs, K2419fs, K2422fs, K2447fs, K2457fs, K2465fs, K2489fs, K2507fs.
Identifiers: ClinVar variation 2583321 (VCV002583321.2), dbSNP rs2533808974, ClinGen allele CA2582341630.